The following is an entry in ClinVar:

NM_003998.4(NFKB1):c.1615G>C (p.Val539Leu)

Gene: NFKB1 (nuclear factor kappa B subunit 1; plus strand). Cytogenetic location: 4q24.
Variant type: single nucleotide variant.
Coding change: c.1615G>C on transcript NM_003998.4 (MANE Select); coding-DNA position 1615, G replaced by C.
Protein change: p.Val539Leu; replaces valine 539 with leucine.
Molecular consequence: missense variant.
Genome position (GRCh38, 1-based): chr4:102,597,639, G>C. VCF-style: chr4-102597639-G-C. GRCh37 (hg19) VCF-style: chr4-103518796-G-C.
Other names: c.1612G>C, p.Val538Leu (NM_001165412.2, NM_001319226.2, NM_001382627.1); c.1615G>C, p.Val539Leu (NM_001382625.1, NM_001382626.1); c.1573G>C, p.Val525Leu (NM_001382628.1); short protein forms V525L, V538L, V539L.
Identifiers: ClinVar variation 3616978 (VCV003616978.2).

ClinVar aggregate classification (germline): Uncertain significance (1 of 4 stars; one submission).

gnomAD v4.1: 35 of 1,613,078 alleles (0.0022%); highest among the groups gnomAD compares: Non-Finnish European, 0.003%; no homozygotes.

Submission:

Labcorp Genetics (formerly Invitae), Labcorp
Classification: Uncertain significance. Last evaluated: 2024-11-16. Review status: criteria provided, single submitter. Criteria: Invitae Variant Classification Sherloc (09022015). Collection method: clinical testing. Allele origin: germline.
Comment: This sequence change replaces valine, which is neutral and non-polar, with leucine, which is neutral and non-polar, at codon 539 of the NFKB1 protein (p.Val539Leu). This variant is present in population databases (no rsID available, gnomAD 0.002%). This variant has not been reported in the literature in individuals affected with NFKB1-related conditions. Invitae Evidence Modeling of protein sequence and biophysical properties (such as structural, functional, and spatial information, amino acid conservation, physicochemical variation, residue mobility, and thermodynamic stability) indicates that this missense variant is not expected to disrupt NFKB1 protein function with a negative predictive value of 80%. In summary, the available evidence is currently insufficient to determine the role of this variant in disease. Therefore, it has been classified as a Variant of Uncertain Significance.